The following is an entry in ClinVar:

ClinVar aggregate classification (germline): Conflicting classifications of pathogenicity. Review status: criteria provided, conflicting classifications (1 of 4 stars). 2 submissions from 2 submitters: Uncertain significance (1); Likely benign (1). Last evaluated 2024-06-03.

Conditions:
Cardiovascular phenotype. Identifiers: MedGen CN230736.

Allele frequency attached by ClinVar (database versions not stated): gnomAD exomes 0.00001 and 0.00002; ExAC 0.00002; TOPMed 0.00003; gnomAD 0.00005.
gnomAD v4.1: 39 of 1,613,978 alleles (0.0024%); highest among the groups gnomAD compares: African/African-American, 0.0093%; no homozygotes.

Submissions (2):

Labcorp Genetics (formerly Invitae), Labcorp
Classification: Uncertain significance. Last evaluated: 2024-06-03. Review status: criteria provided, single submitter. Criteria: Invitae Variant Classification Sherloc (09022015). Collection method: clinical testing. Allele origin: germline.
Comment: This sequence change replaces proline, which is neutral and non-polar, with leucine, which is neutral and non-polar, at codon 1089 of the ALPK3 protein (p.Pro1089Leu). This variant is present in population databases (rs759973437, gnomAD 0.01%). This variant has not been reported in the literature in individuals affected with ALPK3-related conditions. ClinVar contains an entry for this variant (Variation ID: 1353708). Algorithms developed to predict the effect of missense changes on protein structure and function output the following: SIFT: "Not Available"; PolyPhen-2: "Benign"; Align-GVGD: "Not Available". The leucine amino acid residue is found in multiple mammalian species, which suggests that this missense change does not adversely affect protein function. In summary, the available evidence is currently insufficient to determine the role of this variant in disease. Therefore, it has been classified as a Variant of Uncertain Significance.

Ambry Genetics
Classification: Likely benign for Cardiovascular phenotype. Last evaluated: 2022-07-28. Review status: criteria provided, single submitter. Criteria: Ambry Variant Classification Scheme 2023. Collection method: clinical testing. Allele origin: germline.

NM_020778.5(ALPK3):c.2660C>T (p.Pro887Leu)

Gene: ALPK3 (alpha kinase 3; plus strand). Cytogenetic location: 15q25.3.
Variant type: single nucleotide variant.
Coding change: c.2660C>T on transcript NM_020778.5 (MANE Select); coding-DNA position 2660, C replaced by T.
Protein change: p.Pro887Leu; replaces proline 887 with leucine.
Molecular consequence: missense variant.
Genome position (GRCh38, 1-based): chr15:84,857,398, C>T. VCF-style: chr15-84857398-C-T. GRCh37 (hg19) VCF-style: chr15-85400629-C-T.
Other names: short protein forms P887L.
Identifiers: ClinVar variation 1353708 (VCV001353708.8), dbSNP rs759973437, ClinGen allele CA7709467.